The following is an entry in ClinVar:

ClinVar aggregate classification (germline): Uncertain significance. Review status: criteria provided, multiple submitters, no conflicts (2 of 4 stars). 6 submissions from 6 submitters: Uncertain significance (6). Last evaluated 2026-02-25.

Conditions:
Klippel-Feil anomaly-myopathy-facial dysmorphism syndrome. Also called: Klippel-feil syndrome 4, autosomal recessive, with nemaline myopathy and facial dysmorphism; Klippel-Feil syndrome 4, autosomal recessive, with myopathy and facial dysmorphism. Identifiers: Orphanet 447974, MedGen C4225285, MONDO:0014689, OMIM 616549.
MYO18B-related disorder. Also called: MYO18B-related condition.
Inborn genetic diseases. Identifiers: MedGen C0950123, MeSH D030342.

Allele frequency attached by ClinVar (database versions not stated): 1000 Genomes Project 30x 0.00016; 1000 Genomes Project 0.00020; gnomAD exomes 0.00061; TOPMed 0.00105; ExAC 0.00110; ESP Exome Variant Server 0.00110; gnomAD 0.00111.
gnomAD v4.1: 1,691 of 1,595,140 alleles (0.11%); highest among the groups gnomAD compares: Non-Finnish European, 0.13%; 1 homozygote.

Submissions (6):

PreventionGenetics, part of Exact Sciences
Classification: Uncertain significance for MYO18B-related condition. Last evaluated: 2026-02-25. Review status: criteria provided, single submitter. Criteria: ACMG Guidelines, 2015. Collection method: clinical testing. Allele origin: germline.
Comment: The MYO18B c.5239C>T variant is predicted to result in the amino acid substitution p.Arg1747Cys. To our knowledge, this variant has not been reported in the literature. This variant is reported in 0.10% of alleles in individuals of African descent in gnomAD. At this time, the clinical significance of this variant is uncertain due to the absence of conclusive functional and genetic evidence.

CeGaT Center for Human Genetics Tuebingen
Classification: Uncertain significance. Last evaluated: 2026-01-01. Review status: criteria provided, single submitter. Criteria: CeGaT Center For Human Genetics Tuebingen Variant Classification Criteria Version 2. Collection method: clinical testing. Allele origin: germline. Affected: yes. Observed: 1 variant allele.
Comment: MYO18B: PM2

Ambry Genetics
Classification: Uncertain significance for Inborn genetic diseases. Last evaluated: 2024-10-01. Review status: criteria provided, single submitter. Criteria: Ambry Variant Classification Scheme 2023. Collection method: clinical testing. Allele origin: germline.

Fulgent Genetics
Classification: Uncertain significance for Klippel-Feil anomaly-myopathy-facial dysmorphism syndrome. Last evaluated: 2024-02-13. Review status: criteria provided, single submitter. Criteria: ACMG Guidelines, 2015. Collection method: clinical testing. Allele origin: germline.

Labcorp Genetics (formerly Invitae), Labcorp
Classification: Uncertain significance. Last evaluated: 2022-11-02. Review status: criteria provided, single submitter. Criteria: Invitae Variant Classification Sherloc (09022015). Collection method: clinical testing. Allele origin: germline.
Comment: This sequence change replaces arginine, which is basic and polar, with cysteine, which is neutral and slightly polar, at codon 1747 of the MYO18B protein (p.Arg1747Cys). This variant is present in population databases (rs200325801, gnomAD 0.1%), and has an allele count higher than expected for a pathogenic variant. This variant has not been reported in the literature in individuals affected with MYO18B-related conditions. ClinVar contains an entry for this variant (Variation ID: 1032976). Algorithms developed to predict the effect of missense changes on protein structure and function are either unavailable or do not agree on the potential impact of this missense change (SIFT: "Not Available"; PolyPhen-2: "Possibly Damaging"; Align-GVGD: "Not Available"). In summary, the available evidence is currently insufficient to determine the role of this variant in disease. Therefore, it has been classified as a Variant of Uncertain Significance.

Baylor Genetics
Classification: Uncertain significance for Klippel-Feil anomaly-myopathy-facial dysmorphism syndrome. Last evaluated: 2018-02-13. Review status: criteria provided, single submitter. Criteria: ACMG Guidelines, 2015. Collection method: clinical testing. Allele origin: paternal. Affected: yes.
Comment: This variant was determined to be of uncertain significance according to ACMG Guidelines, 2015 [PMID:25741868].

NM_032608.7(MYO18B):c.5239C>T (p.Arg1747Cys)

Gene: MYO18B (myosin XVIIIB; plus strand). Cytogenetic location: 22q12.1.
Variant type: single nucleotide variant.
Coding change: c.5239C>T on transcript NM_032608.7 (MANE Select); coding-DNA position 5239, C replaced by T.
Protein change: p.Arg1747Cys; replaces arginine 1747 with cysteine.
Molecular consequence: missense variant.
Genome position (GRCh38, 1-based): chr22:25,908,412, C>T. VCF-style: chr22-25908412-C-T. GRCh37 (hg19) VCF-style: chr22-26304379-C-T.
Other names: c.5242C>T, p.Arg1748Cys (NM_001318245.2); c.5239C>T (NM_032608.6); short protein forms R1748C, R1747C.
Identifiers: ClinVar variation 1032976 (VCV001032976.12), dbSNP rs200325801, ClinGen allele CA10161109.